The following is an entry in ClinVar:

NM_005076.5(CNTN2):c.1294C>T (p.Arg432Cys)

Gene: CNTN2 (contactin 2; plus strand). Cytogenetic location: 1q32.1.
Variant type: single nucleotide variant.
Coding change: c.1294C>T on transcript NM_005076.5 (MANE Select); coding-DNA position 1294, C replaced by T.
Protein change: p.Arg432Cys; replaces arginine 432 with cysteine.
Molecular consequence: missense variant. On other transcripts: non-coding transcript variant (1).
Genome position (GRCh38, 1-based): chr1:205,064,375, C>T. VCF-style: chr1-205064375-C-T. GRCh37 (hg19) VCF-style: chr1-205033503-C-T.
Other names: c.1294C>T (NM_005076.3); c.1294C>T, p.Arg432Cys (NM_001346083.2); short protein forms R432C.
Identifiers: ClinVar variation 1024663 (VCV001024663.11), dbSNP rs531063248, ClinGen allele CA1351330.

ClinVar aggregate classification (germline): Uncertain significance. Review status: criteria provided, multiple submitters, no conflicts (2 of 4 stars). 2 submissions from 2 submitters: Uncertain significance (2). Last evaluated 2023-05-15.

Conditions:
Epilepsy, familial adult myoclonic, 5 (EPEO5). Also called: CORTICAL MYOCLONIC TREMOR WITH EPILEPSY, FAMILIAL, 5. Identifiers: Orphanet 86814, MedGen C3809374, MONDO:0014167, OMIM 615400.

Allele frequency attached by ClinVar (database versions not stated): ExAC 0.00002; gnomAD exomes 0.00003; TOPMed 0.00004; 1000 Genomes Project 0.00020; 1000 Genomes Project 30x 0.00031.
gnomAD v4.1: 21 of 1,608,550 alleles (0.0013%); highest among the groups gnomAD compares: Admixed American, 0.015%; no homozygotes.

Submissions (2):

Labcorp Genetics (formerly Invitae), Labcorp
Classification: Uncertain significance for Epilepsy, familial adult myoclonic, 5. Last evaluated: 2023-05-15. Review status: criteria provided, single submitter. Criteria: Invitae Variant Classification Sherloc (09022015). Collection method: clinical testing. Allele origin: germline.
Comment: This sequence change replaces arginine, which is basic and polar, with cysteine, which is neutral and slightly polar, at codon 432 of the CNTN2 protein (p.Arg432Cys). In summary, the available evidence is currently insufficient to determine the role of this variant in disease. Therefore, it has been classified as a Variant of Uncertain Significance. Advanced modeling of protein sequence and biophysical properties (such as structural, functional, and spatial information, amino acid conservation, physicochemical variation, residue mobility, and thermodynamic stability) performed at Invitae indicates that this missense variant is not expected to disrupt CNTN2 protein function. ClinVar contains an entry for this variant (Variation ID: 1024663). This variant has not been reported in the literature in individuals affected with CNTN2-related conditions. This variant is present in population databases (rs531063248, gnomAD 0.01%).

Ambry Genetics
Classification: Uncertain significance. Last evaluated: 2023-01-17. Review status: criteria provided, single submitter. Criteria: Ambry Variant Classification Scheme 2023. Collection method: clinical testing. Allele origin: germline.